The following is an entry in ClinVar:

NM_014625.4(NPHS2):c.914T>C (p.Leu305Pro)

Genes: AXDND1 (axonemal dynein light chain domain containing 1; plus strand), NPHS2 (NPHS2 stomatin family member, podocin; minus strand). Cytogenetic location: 1q25.2.
Variant type: single nucleotide variant.
Coding change: c.914T>C on transcript NM_014625.4 (MANE Select); coding-DNA position 914, T replaced by C.
Protein change: p.Leu305Pro; replaces leucine 305 with proline.
Molecular consequence: missense variant. On other transcripts: intron variant (1).
Genome position (GRCh38, 1-based): chr1:179,551,411, A>G on the plus strand (T>C on the coding strand, the complement: NPHS2 is on the minus strand). VCF-style: chr1-179551411-A-G. GRCh37 (hg19) VCF-style: chr1-179520546-A-G.
Other names: c.710T>C, p.Leu237Pro (NM_001297575.2); c.3032-3101A>G (NM_144696.6); short protein forms L237P, L305P.
Identifiers: ClinVar variation 4059096 (VCV004059096.4).

ClinVar aggregate classification (germline): Uncertain significance. Review status: criteria provided, multiple submitters, no conflicts (2 of 4 stars). 3 submissions from 3 submitters: Uncertain significance (2). 1 of the submissions does not count toward it. Last evaluated 2024-11-28.

Conditions:
Steroid-resistant nephrotic syndrome. Identifiers: MedGen C0403397, MONDO:0044765, HP:0012588.
Nephrotic syndrome. Identifiers: MedGen C0027726, MONDO:0005377, HP:0000100.

Submissions (3):

Dasa
Classification: Uncertain significance. Last evaluated: 2024-11-28. Review status: criteria provided, single submitter. Criteria: DASA Assertion Criteria. Collection method: clinical testing. Allele origin: germline.
Comment: NM_014625.4(NPHS2):c.914T>C (p.Leu305Pro) is a missense variant that results in the substitution of leucine with proline. This variant is absent from population databases. The currently available literature and clinical evidence are not sufficient to establish a definitive association between this variant and the reported condition. Therefore, this variant is classified as a variant of uncertain significance.

Molecular Genetics McLendon Clinical Laboratories, University of North Carolina at Chapel Hill
Classification: Uncertain significance for Nephrotic syndrome. Last evaluated: 2023-02-01. Review status: criteria provided, single submitter. Criteria: ACMG Guidelines, 2015. Collection method: clinical testing. Allele origin: germline.

Natera, Inc.
Classification: Uncertain significance for Steroid-resistant nephrotic syndrome. Last evaluated: 2025-01-13. Review status: no assertion criteria provided. Collection method: clinical testing. Allele origin: germline. Not counted in ClinVar's aggregate classification.